The following is an entry in ClinVar:

ClinVar aggregate classification (germline): Likely pathogenic (1 of 4 stars; one submission).

Conditions:
EDN3-related disorder. Also called: EDN3-related condition.

Submission:

PreventionGenetics, part of Exact Sciences
Classification: Likely pathogenic for EDN3-related condition. Last evaluated: 2025-05-24. Review status: criteria provided, single submitter. Criteria: ACMG Guidelines, 2015. Collection method: clinical testing. Allele origin: germline.
Comment: The EDN3 c.218delG variant is predicted to result in a frameshift and premature protein termination (p.Gly73Valfs*136). To our knowledge, this variant has not been reported in the literature or in a large population database (gnomAD), indicating this variant is rare. Frameshift variants in EDN3 are expected to be pathogenic. This variant is interpreted as likely pathogenic.

NM_207034.3(EDN3):c.218del (p.Gly73fs)

Gene: EDN3 (endothelin 3; plus strand). Cytogenetic location: 20q13.32.
Variant type: Deletion.
Coding change: c.218del on transcript NM_207034.3 (MANE Select); coding-DNA position 218, one base deleted (G; older notation c.218delG).
Protein change: p.Gly73fs; shifts the reading frame from glycine 73.
Molecular consequence: frameshift variant.
Genome position (GRCh38, 1-based): chr20:59,301,575, G deleted; the last of 3 consecutive G bases (chr20:59,301,573-59,301,575); deleting any one gives the same sequence. VCF-style (leftmost placement, unchanged base first): chr20-59301572-AG-A. GRCh37 (hg19) VCF-style: chr20-57876627-AG-A.
Other names: c.218del, p.Gly73fs (NM_001302455.2, NM_001302456.2, NM_001424361.1 and 4 more transcripts); short protein forms G73fs.
Identifiers: ClinVar variation 5000366 (VCV005000366.1).